The following is an entry in ClinVar:

ClinVar aggregate classification (germline): Uncertain significance (1 of 4 stars; one submission).

gnomAD v4.1: 11 of 1,609,682 alleles (0.00068%); highest among the groups gnomAD compares: Non-Finnish European, 0.00093%; no homozygotes.

Submission:

Ambry Genetics
Classification: Uncertain significance. Last evaluated: 2024-02-22. Review status: criteria provided, single submitter. Criteria: Ambry Variant Classification Scheme 2023. Collection method: clinical testing. Allele origin: germline.
Comment: The p.V497L variant (also known as c.1489G>T), located in coding exon 10 of the CTNNA3 gene, results from a G to T substitution at nucleotide position 1489. The valine at codon 497 is replaced by leucine, an amino acid with highly similar properties. This amino acid position is conserved. In addition, the in silico prediction for this alteration is inconclusive. Based on the available evidence, the clinical significance of this alteration remains unclear.

NM_013266.4(CTNNA3):c.1489G>T (p.Val497Leu)

Gene: CTNNA3 (catenin alpha 3; minus strand). Cytogenetic location: 10q21.3.
Variant type: single nucleotide variant.
Coding change: c.1489G>T on transcript NM_013266.4 (MANE Select); coding-DNA position 1489, G replaced by T.
Protein change: p.Val497Leu; replaces valine 497 with leucine.
Molecular consequence: missense variant.
Genome position (GRCh38, 1-based): chr10:66,520,659, C>A on the plus strand (G>T on the coding strand, the complement: CTNNA3 is on the minus strand). VCF-style: chr10-66520659-C-A. GRCh37 (hg19) VCF-style: chr10-68280417-C-A.
Other names: c.1489G>T, p.Val497Leu (NM_001127384.3); short protein forms V497L.
Identifiers: ClinVar variation 3226227 (VCV003226227.1), dbSNP rs368067642, ClinGen allele CA377091278.
Genomic context (GRCh38, chr10:66,520,659, plus strand): 5'-AAAAGAATAAAAACATACCAGATACAGCAAGGAAGTCATCAATGCTTGTAATGTCATCTA[C>A]GGCTTCAGTGAGGACATGTATATGATTCTCCCATGTACGCTTGTACATTTCCATGGTGTT-3'
Protein context (NP_037398.2, residues 487-507): ENHIHVLTEA[Val497Leu]DDITSIDDFL